The following is an entry in ClinVar:

NM_004380.3(CREBBP):c.5794A>G (p.Thr1932Ala)

Gene: CREBBP (CREB binding lysine acetyltransferase; minus strand). Cytogenetic location: 16p13.3.
Variant type: single nucleotide variant.
Coding change: c.5794A>G on transcript NM_004380.3 (MANE Select); coding-DNA position 5794, A replaced by G.
Protein change: p.Thr1932Ala; replaces threonine 1932 with alanine.
Molecular consequence: missense variant.
Genome position (GRCh38, 1-based): chr16:3,729,253, T>C on the plus strand (A>G on the coding strand, the complement: CREBBP is on the minus strand). VCF-style: chr16-3729253-T-C. GRCh37 (hg19) VCF-style: chr16-3779254-T-C.
Other names: c.5680A>G, p.Thr1894Ala (NM_001079846.1); short protein forms T1894A, T1932A.
Identifiers: ClinVar variation 1342483 (VCV001342483.11), dbSNP rs749249146, ClinGen allele CA7869245.

ClinVar aggregate classification (germline): Conflicting classifications of pathogenicity. Review status: criteria provided, conflicting classifications (1 of 4 stars). 5 submissions from 5 submitters: Uncertain significance (3); Benign (1); Likely benign (1). Last evaluated 2025-10-28.

Conditions:
Rubinstein-Taybi syndrome (RSTS). Identifiers: Orphanet 783, MedGen C0035934, MONDO:0019188.
Rubinstein-Taybi syndrome due to CREBBP mutations (RSTS1). Also called: RUBINSTEIN-TAYBI SYNDROME 1, INCOMPLETE; RUBINSTEIN SYNDROME; Rubinstein-Taybi syndrome 1; BROAD THUMBS AND GREAT TOES, CHARACTERISTIC FACIES, AND IMPAIRED INTELLECTUAL DEVELOPMENT; CREBBP-Related Rubinstein-Taybi Syndrome; BROAD THUMB-HALLUX SYNDROME. Identifiers: Orphanet 353277, Orphanet 783, MedGen C4551859, MONDO:0008393, OMIM 180849.
Menke-Hennekam syndrome 1 (MKHK1). Identifiers: MedGen C5193034, MONDO:0020763, OMIM 618332.
CREBBP-related disorder. Also called: CREBBP-related condition; CREBBP-related disorders.

Allele frequency attached by ClinVar (database versions not stated): gnomAD exomes 0.00002; gnomAD 0.00004; TOPMed 0.00004.
gnomAD v4.1: 100 of 1,518,568 alleles (0.0066%); highest among the groups gnomAD compares: Non-Finnish European, 0.0086%; no homozygotes.

Submissions (5):

PreventionGenetics, part of Exact Sciences
Classification: Uncertain significance for CREBBP-related condition. Last evaluated: 2025-10-28. Review status: criteria provided, single submitter. Criteria: ACMG Guidelines, 2015. Collection method: clinical testing. Allele origin: germline.
Comment: The CREBBP c.5794A>G variant is predicted to result in the amino acid substitution p.Thr1932Ala. To our knowledge, this variant has not been reported in the literature. This variant is reported in 0.013% of alleles in individuals of African descent in gnomAD. Although we suspect this variant may be benign, at this time its clinical significance is uncertain due to the absence of conclusive functional and genetic evidence.

Labcorp Genetics (formerly Invitae), Labcorp
Classification: Benign for Rubinstein-Taybi syndrome. Last evaluated: 2022-07-14. Review status: criteria provided, single submitter. Criteria: Invitae Variant Classification Sherloc (09022015). Collection method: clinical testing. Allele origin: germline.

Blueprint Genetics
Classification: Likely benign. Last evaluated: 2022-04-29. Review status: criteria provided, single submitter. Criteria: ACMG Guidelines, 2015. Collection method: clinical testing. Allele origin: germline.

Fulgent Genetics
Classification: Uncertain significance for Rubinstein-Taybi syndrome due to CREBBP mutations; Menke-Hennekam syndrome 1. Last evaluated: 2021-09-19. Review status: criteria provided, single submitter. Criteria: ACMG Guidelines, 2015. Collection method: clinical testing. Allele origin: unknown.

New York Genome Center
Classification: Uncertain significance for Rubinstein-Taybi syndrome due to CREBBP mutations. Last evaluated: 2021-04-25. Review status: criteria provided, single submitter. Criteria: NYGC Assertion Criteria 2020. Collection method: clinical testing. Allele origin: germline. Observed: 1 heterozygote. Study: CSER-NYCKidSeq.